The following is an entry in ClinVar:

ClinVar aggregate classification (germline): Likely pathogenic (1 of 4 stars; one submission).

Conditions:
Obesity due to leptin receptor gene deficiency. Identifiers: Orphanet 179494, MedGen C3554225, MONDO:0013992, OMIM 614963.

Submission:

Juno Genomics, Hangzhou Juno Genomics, Inc
Classification: Likely pathogenic for Obesity due to leptin receptor gene deficiency. Review status: criteria provided, single submitter. Criteria: ACMG Guidelines, 2015. Collection method: clinical testing. Allele origin: germline.
Comment: Null variant in a gene where loss of function (LOF) is a known mechanism of disease.;Absent from controls (or at extremely low frequency if recessive) in Genome Aggregation Database.

NM_002303.6(LEPR):c.1752+2T>C

Gene: LEPR (leptin receptor; plus strand). Cytogenetic location: 1p31.3.
Variant type: single nucleotide variant.
Coding change: c.1752+2T>C on transcript NM_002303.6 (MANE Select); the canonical splice donor site of the intron after coding-DNA position 1752, T replaced by C.
Molecular consequence: splice donor variant.
Genome position (GRCh38, 1-based): chr1:65,608,903, T>C. VCF-style: chr1-65608903-T-C. GRCh37 (hg19) VCF-style: chr1-66074586-T-C.
Other names: c.1752+2T>C (NM_001003679.3, NM_001003680.3, NM_001198689.2 and 2 more transcripts).
Identifiers: ClinVar variation 5007007 (VCV005007007.2).
Genomic context (GRCh38, chr1:65,608,903, plus strand): 5'-AGAATAACCTTCAATTCCAGATTCGCTATGGTTTAAGTGGAAAAGAAGTACAATGGAAGG[T>C]ACCTTTTACTTAGAACTTCAGCTTTCCTCATTAAATGCTATTTTTATAATATGTAAGAGT-3'